The following is an entry in ClinVar:

NM_000334.4(SCN4A):c.3913T>C (p.Leu1305=)

Genes: GH-LCR (growth hormone locus control region; plus strand), SCN4A (sodium voltage-gated channel alpha subunit 4; minus strand). Cytogenetic location: 17q23.3.
Variant type: single nucleotide variant.
Coding change: c.3913T>C on transcript NM_000334.4 (MANE Select); coding-DNA position 3913, T replaced by C.
Protein change: p.Leu1305=; no amino-acid change (leucine 1305 retained).
Molecular consequence: synonymous variant.
Genome position (GRCh38, 1-based): chr17:63,943,850, A>G on the plus strand (T>C on the coding strand, the complement: SCN4A is on the minus strand). VCF-style: chr17-63943850-A-G. GRCh37 (hg19) VCF-style: chr17-62021210-A-G.
Identifiers: ClinVar variation 2578796 (VCV002578796.25), dbSNP rs2509288026, ClinGen allele CA501216600.

ClinVar aggregate classification (germline): Likely benign (1 of 4 stars; one submission).

Submission:

CeGaT Center for Human Genetics Tuebingen
Classification: Likely benign. Last evaluated: 2023-07-01. Review status: criteria provided, single submitter. Criteria: CeGaT Center For Human Genetics Tuebingen Variant Classification Criteria Version 2. Collection method: clinical testing. Allele origin: germline. Affected: yes. Observed: 1 variant allele.
Comment: SCN4A: PM2:Supporting, BP4, BP7